The following is an entry in ClinVar:

ClinVar aggregate classification (germline): Uncertain significance (1 of 4 stars; one submission).

Conditions:
Inborn genetic diseases. Identifiers: MedGen C0950123, MeSH D030342.

Submission:

Ambry Genetics
Classification: Uncertain significance for Inborn genetic diseases. Last evaluated: 2023-09-13. Review status: criteria provided, single submitter. Criteria: Ambry Variant Classification Scheme 2023. Collection method: clinical testing. Allele origin: germline.
Comment: The p.D12E variant (also known as c.36C>G), located in coding exon 1 of the LRRK2 gene, results from a C to G substitution at nucleotide position 36. The aspartic acid at codon 12 is replaced by glutamic acid, an amino acid with highly similar properties. This amino acid position is conserved. In addition, this alteration is predicted to be tolerated by in silico analysis. Since supporting evidence is limited at this time, the clinical significance of this alteration remains unclear.

NM_198578.4(LRRK2):c.36C>G (p.Asp12Glu)

Gene: LRRK2 (leucine rich repeat kinase 2; plus strand). Cytogenetic location: 12q12.
Variant type: single nucleotide variant.
Coding change: c.36C>G on transcript NM_198578.4 (MANE Select); coding-DNA position 36, C replaced by G.
Protein change: p.Asp12Glu; replaces aspartic acid 12 with glutamic acid.
Molecular consequence: missense variant.
Genome position (GRCh38, 1-based): chr12:40,225,167, C>G. VCF-style: chr12-40225167-C-G. GRCh37 (hg19) VCF-style: chr12-40618969-C-G.
Other names: short protein forms D12E.
Identifiers: ClinVar variation 2587314 (VCV002587314.2), dbSNP rs2499329586, ClinGen allele CA384398317.
Genomic context (GRCh38, chr12:40,225,167, plus strand): 5'-CGGCGGGTTGGAAGCAGGTGCCACCATGGCTAGTGGCAGCTGTCAGGGGTGCGAAGAGGA[C>G]GAGGAAACTCTGAAGAAGTTGATAGTCAGGCTGAACAATGTCCAGGAAGGAAAACAGATA-3'
Protein context (NP_940980.4, residues 2-22): ASGSCQGCEE[Asp12Glu]EETLKKLIVR